The following is an entry in ClinVar:

NM_002796.3(PSMB4):c.434G>C (p.Arg145Pro)

Gene: PSMB4 (proteasome 20S subunit beta 4; plus strand). Cytogenetic location: 1q21.3.
Variant type: single nucleotide variant.
Coding change: c.434G>C on transcript NM_002796.3 (MANE Select); coding-DNA position 434, G replaced by C.
Protein change: p.Arg145Pro; replaces arginine 145 with proline.
Molecular consequence: missense variant.
Genome position (GRCh38, 1-based): chr1:151,400,528, G>C. VCF-style: chr1-151400528-G-C. GRCh37 (hg19) VCF-style: chr1-151373004-G-C.
Other names: short protein forms R145P.
Identifiers: ClinVar variation 2715425 (VCV002715425.3), dbSNP rs2529157776, ClinGen allele CA341924306.
Genomic context (GRCh38, chr1:151,400,528, plus strand): 5'-GACACAGCTATAGTCCTAGAGCTATTCATTCATGGCTGACCAGGGCCATGTACAGCCGGC[G>C]CTCGAAGATGAACCCTTTGTGGAACACCATGGTCATCGGAGGCTATGCTGATGGAGAGAG-3'
Protein context (NP_002787.2, residues 135-155): SWLTRAMYSR[Arg145Pro]SKMNPLWNTM

ClinVar aggregate classification (germline): Uncertain significance (1 of 4 stars; one submission).

Submission:

Labcorp Genetics (formerly Invitae), Labcorp
Classification: Uncertain significance. Last evaluated: 2023-06-22. Review status: criteria provided, single submitter. Criteria: Invitae Variant Classification Sherloc (09022015). Collection method: clinical testing. Allele origin: germline.
Comment: In summary, the available evidence is currently insufficient to determine the role of this variant in disease. Therefore, it has been classified as a Variant of Uncertain Significance. An algorithm developed to predict the effect of missense changes on protein structure and function (PolyPhen-2) suggests that this variant is likely to be disruptive. This variant has not been reported in the literature in individuals affected with PSMB4-related conditions. This variant is not present in population databases (gnomAD no frequency). This sequence change replaces arginine, which is basic and polar, with proline, which is neutral and non-polar, at codon 145 of the PSMB4 protein (p.Arg145Pro).